The following is an entry in ClinVar:

ClinVar aggregate classification (germline): Uncertain significance (1 of 4 stars; one submission).

Conditions:
Inborn genetic diseases. Identifiers: MedGen C0950123, MeSH D030342.

Submission:

Ambry Genetics
Classification: Uncertain significance for Inborn genetic diseases. Last evaluated: 2023-04-07. Review status: criteria provided, single submitter. Criteria: Ambry Variant Classification Scheme 2023. Collection method: clinical testing. Allele origin: germline.
Comment: The p.I431V variant (also known as c.1291A>G), located in coding exon 10 of the EPAS1 gene, results from an A to G substitution at nucleotide position 1291. The isoleucine at codon 431 is replaced by valine, an amino acid with highly similar properties. This amino acid position is conserved. In addition, this alteration is predicted to be tolerated by in silico analysis. Since supporting evidence is limited at this time, the clinical significance of this alteration remains unclear.

NM_001430.5(EPAS1):c.1291A>G (p.Ile431Val)

Gene: EPAS1 (endothelial PAS domain protein 1; plus strand). Cytogenetic location: 2p21.
Variant type: single nucleotide variant.
Coding change: c.1291A>G on transcript NM_001430.5 (MANE Select); coding-DNA position 1291, A replaced by G.
Protein change: p.Ile431Val; replaces isoleucine 431 with valine.
Molecular consequence: missense variant.
Genome position (GRCh38, 1-based): chr2:46,377,935, A>G. VCF-style: chr2-46377935-A-G. GRCh37 (hg19) VCF-style: chr2-46605074-A-G.
Other names: short protein forms I431V.
Identifiers: ClinVar variation 2565052 (VCV002565052.2), dbSNP rs1046235137, ClinGen allele CA346703712.